The following is an entry in ClinVar:

NM_022370.4(ROBO3):c.488-12dup

Gene: ROBO3 (roundabout guidance receptor 3; plus strand). Cytogenetic location: 11q24.2.
Variant type: Duplication.
Coding change: c.488-12dup on transcript NM_022370.4 (MANE Select); 12 bases into the intron before coding-DNA position 488, one base duplicated (C; older notation c.488-12dupC).
Molecular consequence: intron variant.
Genome position (GRCh38, 1-based): chr11:124,869,438, C duplicated; the last of 2 consecutive C bases (chr11:124,869,437-124,869,438); duplicating either gives the same sequence. VCF-style (leftmost placement, unchanged base first): chr11-124869436-A-AC. GRCh37 (hg19) VCF-style: chr11-124739332-A-AC.
Identifiers: ClinVar variation 4983599 (VCV004983599.1).

ClinVar aggregate classification (germline): Likely benign (1 of 4 stars; one submission).

Conditions:
ROBO3-related disorder. Also called: ROBO3-related condition.

Submission:

PreventionGenetics, part of Exact Sciences
Classification: Likely benign for ROBO3-related condition. Last evaluated: 2026-03-09. Review status: criteria provided, single submitter. Criteria: ACMG Guidelines, 2015. Collection method: clinical testing. Allele origin: germline.
Comment: This variant is classified as likely benign based on ACMG/AMP sequence variant interpretation guidelines (Richards et al. 2015 PMID: 25741868, with internal and published modifications).